The following is an entry in ClinVar:

ClinVar aggregate classification (germline): Conflicting classifications of pathogenicity. Review status: criteria provided, conflicting classifications (1 of 4 stars). 3 submissions from 3 submitters: Pathogenic (1); Likely pathogenic (1); Uncertain significance (1). Last evaluated 2026-08-30.

Conditions:
Early-infantile DEE. Also called: Early infantile epileptic encephalopathy with suppression bursts; Early infantile epileptic encephalopathy; Ohtahara syndrome. Identifiers: Orphanet 1934, MedGen C0393706, MONDO:0800491.
SCN1A-related disorder. Also called: SCN1A-related disorders; SCN1A-related conditions; SCN1A-related condition.
Severe myoclonic epilepsy in infancy (DRVT). Also called: DEVELOPMENTAL AND EPILEPTIC ENCEPHALOPATHY 6A; Severe Myoclonic Epilepsy in Infancy (SMEI); SEVERE MYOCLONIC EPILEPSY OF INFANCY; Epileptic encephalopathy, early infantile, 6 (Dravet syndrome); Dravet syndrome. Identifiers: Orphanet 33069, MedGen C0751122, MONDO:0100135, OMIM 607208.

Submissions (3):

PreventionGenetics, part of Exact Sciences
Classification: Uncertain significance for SCN1A-related condition. Last evaluated: 2026-08-30. Review status: criteria provided, single submitter. Criteria: ACMG Guidelines, 2015. Collection method: clinical testing. Allele origin: germline.
Comment: The SCN1A c.4862T>C variant is predicted to result in the amino acid substitution p.Leu1621Pro. To our knowledge, this variant has not been reported in the literature or in a large population database (gnomAD), indicating this variant is rare. At this time, the clinical significance of this variant is uncertain due to the absence of conclusive functional and genetic evidence.

Labcorp Genetics (formerly Invitae), Labcorp
Classification: Pathogenic for Early-infantile DEE. Last evaluated: 2022-08-16. Review status: criteria provided, single submitter. Criteria: Invitae Variant Classification Sherloc (09022015). Collection method: clinical testing. Allele origin: germline.
Comment: ClinVar contains an entry for this variant (Variation ID: 801791). Advanced modeling of protein sequence and biophysical properties (such as structural, functional, and spatial information, amino acid conservation, physicochemical variation, residue mobility, and thermodynamic stability) performed at Invitae indicates that this missense variant is expected to disrupt SCN1A protein function. For these reasons, this variant has been classified as Pathogenic. This sequence change replaces leucine, which is neutral and non-polar, with proline, which is neutral and non-polar, at codon 1621 of the SCN1A protein (p.Leu1621Pro). This variant is not present in population databases (gnomAD no frequency). This missense change has been observed in individual(s) with generalized epilepsy (Invitae). In at least one individual the variant was observed to be de novo.

Mendelics
Classification: Likely pathogenic for Severe myoclonic epilepsy in infancy. Last evaluated: 2019-05-28. Review status: criteria provided, single submitter. Criteria: Mendelics Assertion Criteria 2017. Collection method: clinical testing. Allele origin: unknown.

NM_001165963.4(SCN1A):c.4862T>C (p.Leu1621Pro)

Genes: SCN1A (sodium voltage-gated channel alpha subunit 1; minus strand), LOC102724058 (uncharacterized LOC102724058; plus strand). Cytogenetic location: 2q24.3.
Variant type: single nucleotide variant.
Coding change: c.4862T>C on transcript NM_001165963.4 (MANE Select); coding-DNA position 4862, T replaced by C.
Protein change: p.Leu1621Pro; replaces leucine 1621 with proline.
Molecular consequence: missense variant. On other transcripts: non-coding transcript variant (1).
Genome position (GRCh38, 1-based): chr2:165,992,413, A>G on the plus strand (T>C on the coding strand, the complement: SCN1A is on the minus strand). VCF-style: chr2-165992413-A-G. GRCh37 (hg19) VCF-style: chr2-166848923-A-G.
Other names: c.4778T>C, p.Leu1593Pro (NM_001165964.3, NM_001353957.2, NM_001353958.2); c.4862T>C, p.Leu1621Pro (NM_001202435.3, NM_001353948.2); c.4829T>C, p.Leu1610Pro (NM_001353949.2, NM_001353950.2, NM_001353951.2 and 2 more transcripts); c.4826T>C, p.Leu1609Pro (NM_001353954.2, NM_001353955.2); c.4775T>C, p.Leu1592Pro (NM_001353960.2); c.2420T>C, p.Leu807Pro (NM_001353961.2); c.4862T>C (NM_001202435.1); short protein forms L1592P, L1593P, L1609P, L807P, L1610P, L1621P.
Identifiers: ClinVar variation 801791 (VCV000801791.13), dbSNP rs1573953706, ClinGen allele CA349070729.